The following is an entry in ClinVar:

ClinVar aggregate classification (germline): Uncertain significance (1 of 4 stars; one submission).

Conditions:
Luscan-Lumish syndrome. Identifiers: Orphanet 597738, MedGen C4085873, MONDO:0014791, OMIM 616831.

Allele frequency attached by ClinVar (database versions not stated): TOPMed below 0.00001; ExAC 0.00001; gnomAD exomes 0.00001 and 0.00002; ESP Exome Variant Server 0.00008.
gnomAD v4.1: 26 of 1,614,174 alleles (0.0016%); highest among the groups gnomAD compares: Non-Finnish European, 0.0022%; no homozygotes.

Submission:

Labcorp Genetics (formerly Invitae), Labcorp
Classification: Uncertain significance for Luscan-Lumish syndrome. Last evaluated: 2022-12-06. Review status: criteria provided, single submitter. Criteria: Invitae Variant Classification Sherloc (09022015). Collection method: clinical testing. Allele origin: germline.
Comment: ClinVar contains an entry for this variant (Variation ID: 946181). In summary, the available evidence is currently insufficient to determine the role of this variant in disease. Therefore, it has been classified as a Variant of Uncertain Significance. Advanced modeling of protein sequence and biophysical properties (such as structural, functional, and spatial information, amino acid conservation, physicochemical variation, residue mobility, and thermodynamic stability) performed at Invitae indicates that this missense variant is not expected to disrupt SETD2 protein function. This variant has not been reported in the literature in individuals affected with SETD2-related conditions. This variant is present in population databases (rs372610050, gnomAD 0.002%). This sequence change replaces lysine, which is basic and polar, with arginine, which is basic and polar, at codon 1969 of the SETD2 protein (p.Lys1969Arg).

NM_014159.7(SETD2):c.5906A>G (p.Lys1969Arg)

Gene: SETD2 (SET domain containing 2, histone lysine methyltransferase; minus strand). Cytogenetic location: 3p21.31.
Variant type: single nucleotide variant.
Coding change: c.5906A>G on transcript NM_014159.7 (MANE Select); coding-DNA position 5906, A replaced by G.
Protein change: p.Lys1969Arg; replaces lysine 1969 with arginine.
Molecular consequence: missense variant. On other transcripts: non-coding transcript variant (1).
Genome position (GRCh38, 1-based): chr3:47,083,874, T>C on the plus strand (A>G on the coding strand, the complement: SETD2 is on the minus strand). VCF-style: chr3-47083874-T-C. GRCh37 (hg19) VCF-style: chr3-47125364-T-C.
Other names: c.5774A>G, p.Lys1925Arg (NM_001349370.3); short protein forms K1969R, K1925R.
Identifiers: ClinVar variation 946181 (VCV000946181.6), dbSNP rs372610050, ClinGen allele CA2362835.